The following is an entry in ClinVar:

ClinVar aggregate classification (germline): Pathogenic (1 of 4 stars; one submission).

Submission:

GeneDx
Classification: Pathogenic. Last evaluated: 2017-07-12. Review status: criteria provided, single submitter. Criteria: GeneDx Variant Classification (06012015). Collection method: clinical testing. Allele origin: germline. Affected: yes.
Comment: The D158Y variant has not been published as a pathogenic variant, nor has it been reported as a benign polymorphism to our knowledge. It was not observed in approximately 6,500 individuals of European and African American ancestry in the NHLBI Exome Sequencing Project, indicating it is not a common benign variant in these populations. D158Y is a non-conservative amino acid substitution, which is likely to impact secondary protein structure as these residues differ in polarity, charge, size and/or other properties. This substitution occurs at a position that is conserved across species. In silico analysis predicts this variant is probably damaging to the protein structure/function. Missense variants at the same codon (D158V) and in nearby residues (P152L, I161S, I161N) have been reported in the Human Gene Mutation Database in association with Epidermolysis Bullosa, Weber-Cockayne type (Stenson et al., 2014), supporting the functional importance of this region of the protein. Therefore, we interpret D158Y as a pathogenic variant.

NM_000424.4(KRT5):c.472G>T (p.Asp158Tyr)

Gene: KRT5 (keratin 5; minus strand). Cytogenetic location: 12q13.13.
Variant type: single nucleotide variant.
Coding change: c.472G>T on transcript NM_000424.4 (MANE Select); coding-DNA position 472, G replaced by T.
Protein change: p.Asp158Tyr; replaces aspartic acid 158 with tyrosine.
Molecular consequence: missense variant.
Genome position (GRCh38, 1-based): chr12:52,519,825, C>A on the plus strand (G>T on the coding strand, the complement: KRT5 is on the minus strand). VCF-style: chr12-52519825-C-A. GRCh37 (hg19) VCF-style: chr12-52913609-C-A.
Other names: short protein forms D158Y.
Identifiers: ClinVar variation 379242 (VCV000379242.2), dbSNP rs763608512, ClinGen allele CA16606334.